The following is an entry in ClinVar:

NM_001128159.3(VPS53):c.488+218G>A

Gene: VPS53 (VPS53 subunit of GARP complex; minus strand). Cytogenetic location: 17p13.3.
Variant type: single nucleotide variant.
Coding change: c.488+218G>A on transcript NM_001128159.3 (MANE Select); 218 bases into the intron after coding-DNA position 488, G replaced by A.
Molecular consequence: intron variant.
Genome position (GRCh38, 1-based): chr17:655,620, C>T on the plus strand (G>A on the coding strand, the complement: VPS53 is on the minus strand). VCF-style: chr17-655620-C-T. GRCh37 (hg19) VCF-style: chr17-558860-C-T.
Other names: c.401+218G>A (NM_018289.4); c.488+218G>A (NM_001366253.2); c.-205+218G>A (NM_001366254.2).
Identifiers: ClinVar variation 672759 (VCV000672759.1), dbSNP rs79885967, ClinGen allele CA14500912.

ClinVar aggregate classification (germline): Likely benign (1 of 4 stars; one submission).

Allele frequency attached by ClinVar (database versions not stated): 1000 Genomes Project 30x 0.00890; 1000 Genomes Project 0.00919; TOPMed 0.02019; gnomAD 0.02241 and 0.02295.
gnomAD v4.1: 3,395 of 152,292 alleles (2.2%); highest among the groups gnomAD compares: Non-Finnish European, 3.4%; 62 homozygotes.

Submission:

GeneDx
Classification: Likely benign. Last evaluated: 2018-06-16. Review status: criteria provided, single submitter. Criteria: GeneDx Variant Classification (06012015). Collection method: clinical testing. Allele origin: germline. Affected: yes.
Comment: This variant is considered likely benign or benign based on one or more of the following criteria: it is a conservative change, it occurs at a poorly conserved position in the protein, it is predicted to be benign by multiple in silico algorithms, and/or has population frequency not consistent with disease.